The following is an entry in ClinVar:

NM_001184.4(ATR):c.823G>A (p.Glu275Lys)

Gene: ATR (ATR checkpoint kinase; minus strand). Cytogenetic location: 3q23.
Variant type: single nucleotide variant.
Coding change: c.823G>A on transcript NM_001184.4 (MANE Select); coding-DNA position 823, G replaced by A.
Protein change: p.Glu275Lys; replaces glutamic acid 275 with lysine.
Molecular consequence: missense variant.
Genome position (GRCh38, 1-based): chr3:142,562,579, C>T on the plus strand (G>A on the coding strand, the complement: ATR is on the minus strand). VCF-style: chr3-142562579-C-T. GRCh37 (hg19) VCF-style: chr3-142281421-C-T.
Other names: c.823G>A, p.Glu275Lys (NM_001354579.2); short protein forms E275K.
Identifiers: ClinVar variation 2496629 (VCV002496629.2), dbSNP rs2108487585, ClinGen allele CA354825383.

ClinVar aggregate classification (germline): Uncertain significance (1 of 4 stars; one submission).

Conditions:
Inborn genetic diseases. Identifiers: MedGen C0950123, MeSH D030342.

Submission:

Ambry Genetics
Classification: Uncertain significance for Inborn genetic diseases. Last evaluated: 2022-11-15. Review status: criteria provided, single submitter. Criteria: Ambry Variant Classification Scheme 2023. Collection method: clinical testing. Allele origin: germline.
Comment: The p.E275K variant (also known as c.823G>A), located in coding exon 4 of the ATR gene, results from a G to A substitution at nucleotide position 823. The glutamic acid at codon 275 is replaced by lysine, an amino acid with similar properties. This amino acid position is conserved. In addition, this alteration is predicted to be tolerated by in silico analysis. Since supporting evidence is limited at this time, the clinical significance of this alteration remains unclear.